The following is an entry in ClinVar:

NM_001278116.2(L1CAM):c.1641G>C (p.Leu547Phe)

Gene: L1CAM (L1 cell adhesion molecule; minus strand). Cytogenetic location: Xq28.
Variant type: single nucleotide variant.
Coding change: c.1641G>C on transcript NM_001278116.2 (MANE Select); coding-DNA position 1641, G replaced by C.
Protein change: p.Leu547Phe; replaces leucine 547 with phenylalanine.
Molecular consequence: missense variant.
Genome position (GRCh38, 1-based): chrX:153,868,364, C>G on the plus strand (G>C on the coding strand, the complement: L1CAM is on the minus strand). VCF-style: chrX-153868364-C-G. GRCh37 (hg19) VCF-style: chrX-153133819-C-G.
Other names: c.1641G>C, p.Leu547Phe (NM_000425.5, NM_024003.3); c.1626G>C, p.Leu542Phe (NM_001143963.2); short protein forms L542F, L547F.
Identifiers: ClinVar variation 1722043 (VCV001722043.5), dbSNP rs2521000222, ClinGen allele CA415124799.

ClinVar aggregate classification (germline): Uncertain significance (1 of 4 stars; one submission).

Conditions:
Spastic paraplegia. Identifiers: MedGen C0037772, HP:0001258.

Submission:

Labcorp Genetics (formerly Invitae), Labcorp
Classification: Uncertain significance for Spastic paraplegia. Last evaluated: 2023-11-08. Review status: criteria provided, single submitter. Criteria: Invitae Variant Classification Sherloc (09022015). Collection method: clinical testing. Allele origin: germline.
Comment: This sequence change replaces leucine, which is neutral and non-polar, with phenylalanine, which is neutral and non-polar, at codon 547 of the L1CAM protein (p.Leu547Phe). This variant is not present in population databases (gnomAD no frequency). This variant has not been reported in the literature in individuals affected with L1CAM-related conditions. ClinVar contains an entry for this variant (Variation ID: 1722043). Advanced modeling of protein sequence and biophysical properties (such as structural, functional, and spatial information, amino acid conservation, physicochemical variation, residue mobility, and thermodynamic stability) performed at Invitae indicates that this missense variant is not expected to disrupt L1CAM protein function with a negative predictive value of 95%. In summary, the available evidence is currently insufficient to determine the role of this variant in disease. Therefore, it has been classified as a Variant of Uncertain Significance.